The following is an entry in ClinVar:

ClinVar aggregate classification (germline): Uncertain significance (1 of 4 stars; one submission).

Submission:

Labcorp Genetics (formerly Invitae), Labcorp
Classification: Uncertain significance. Last evaluated: 2024-10-15. Review status: criteria provided, single submitter. Criteria: Invitae Variant Classification Sherloc (09022015). Collection method: clinical testing. Allele origin: germline.
Comment: This sequence change replaces serine, which is neutral and polar, with proline, which is neutral and non-polar, at codon 3007 of the VCAN protein (p.Ser3007Pro). This variant is not present in population databases (gnomAD no frequency). This variant has not been reported in the literature in individuals affected with VCAN-related conditions. ClinVar contains an entry for this variant (Variation ID: 1956898). An algorithm developed to predict the effect of missense changes on protein structure and function outputs the following: PolyPhen-2: "Benign". The proline amino acid residue is found in multiple mammalian species, which suggests that this missense change does not adversely affect protein function. In summary, the available evidence is currently insufficient to determine the role of this variant in disease. Therefore, it has been classified as a Variant of Uncertain Significance.

NM_004385.5(VCAN):c.9019T>C (p.Ser3007Pro)

Genes: VCAN (versican; plus strand), VCAN-AS1 (VCAN antisense RNA 1; minus strand). Cytogenetic location: 5q14.3.
Variant type: single nucleotide variant.
Coding change: c.9019T>C on transcript NM_004385.5 (MANE Select); coding-DNA position 9019, T replaced by C.
Protein change: p.Ser3007Pro; replaces serine 3007 with proline.
Molecular consequence: missense variant. On other transcripts: intron variant (2).
Genome position (GRCh38, 1-based): chr5:83,542,022, T>C. VCF-style: chr5-83542022-T-C. GRCh37 (hg19) VCF-style: chr5-82837841-T-C.
Other names: c.6058T>C, p.Ser2020Pro (NM_001164097.2); c.4004-3515T>C (NM_001164098.2); c.1043-3515T>C (NM_001126336.3); short protein forms S2020P, S3007P.
Identifiers: ClinVar variation 1956898 (VCV001956898.5), dbSNP rs2479125896, ClinGen allele CA360294664.